The following is an entry in ClinVar:

ClinVar aggregate classification (germline): Uncertain significance (1 of 4 stars; one submission).

Conditions:
Pancreatic adenocarcinoma. Identifiers: MedGen C0281361, MONDO:0006047, HP:0006725.

Submission:

Labcorp Genetics (formerly Invitae), Labcorp
Classification: Uncertain significance for Pancreatic adenocarcinoma. Last evaluated: 2021-08-12. Review status: criteria provided, single submitter. Criteria: Invitae Variant Classification Sherloc (09022015). Collection method: clinical testing. Allele origin: germline.
Comment: A copy number gain of the genomic region encompassing the full coding sequence of the PALLD gene has been identified. The boundaries of this event are unknown as they extend beyond the assayed region for this gene and therefore may encompass additional genes. As the precise location of this event is unknown, it may be in tandem or it may be located elsewhere in the genome. This variant has not been reported in the literature in individuals affected with PALLD-related conditions. In summary, the available evidence is currently insufficient to determine the role of this variant in disease. Therefore, it has been classified as a Variant of Uncertain Significance.

NC_000004.12:g.(?_168877892)_(168926385_?)dup

Gene: PALLD (palladin, cytoskeletal associated protein; plus strand). Cytogenetic location: 4q32.3.
Variant type: Duplication.
Identifiers: ClinVar variation 831510 (VCV000831510.3).